The following is an entry in ClinVar:

ClinVar aggregate classification (germline): Pathogenic (1 of 4 stars; one submission).

Conditions:
Deficiency of butyryl-CoA dehydrogenase (ACADSD). Also called: SCADH DEFICIENCY; ACYL-CoA DEHYDROGENASE, SHORT-CHAIN, DEFICIENCY OF; SCAD DEFICIENCY, MILD; SCAD Deficiency; ACADS DEFICIENCY; Short-Chain Acyl-CoA Dehydrogenase Deficiency. Identifiers: Orphanet 26792, MedGen C0342783, MONDO:0008722, OMIM 201470. Disease mechanism: May be benign.

Allele frequency attached by ClinVar (database versions not stated): TOPMed below 0.00001; gnomAD 0.00001.
gnomAD v4.1: 1 of 1,613,820 alleles (0.000062%); highest among the groups gnomAD compares: African/African-American, 0.0013%; no homozygotes.

Submission:

Labcorp Genetics (formerly Invitae), Labcorp
Classification: Pathogenic for Deficiency of butyryl-CoA dehydrogenase. Last evaluated: 2024-09-16. Review status: criteria provided, single submitter. Criteria: Invitae Variant Classification Sherloc (09022015). Collection method: clinical testing. Allele origin: germline.
Comment: This sequence change replaces lysine, which is basic and polar, with glutamic acid, which is acidic and polar, at codon 313 of the ACADS protein (p.Lys313Glu). This variant is not present in population databases (gnomAD no frequency). This missense change has been observed in individual(s) with clinical features of short-chain acyl-coenzyme A dehydrogenase deficiency (internal data). In at least one individual the data is consistent with being in trans (on the opposite chromosome) from a pathogenic variant. ClinVar contains an entry for this variant (Variation ID: 1485321). Invitae Evidence Modeling of protein sequence and biophysical properties (such as structural, functional, and spatial information, amino acid conservation, physicochemical variation, residue mobility, and thermodynamic stability) indicates that this missense variant is expected to disrupt ACADS protein function with a positive predictive value of 95%. For these reasons, this variant has been classified as Pathogenic.

NM_000017.4(ACADS):c.937A>G (p.Lys313Glu)

Gene: ACADS (acyl-CoA dehydrogenase short chain; plus strand). Cytogenetic location: 12q24.31.
Variant type: single nucleotide variant.
Coding change: c.937A>G on transcript NM_000017.4 (MANE Select); coding-DNA position 937, A replaced by G.
Protein change: p.Lys313Glu; replaces lysine 313 with glutamic acid.
Molecular consequence: missense variant.
Genome position (GRCh38, 1-based): chr12:120,738,823, A>G. VCF-style: chr12-120738823-A-G. GRCh37 (hg19) VCF-style: chr12-121176626-A-G.
Other names: c.925A>G, p.Lys309Glu (NM_001302554.2); short protein forms K309E, K313E.
Identifiers: ClinVar variation 1485321 (VCV001485321.8), dbSNP rs1233243754, ClinGen allele CA386601421.